The following is an entry in ClinVar:

NM_000350.3(ABCA4):c.2822G>A (p.Cys941Tyr)

Gene: ABCA4 (ATP binding cassette subfamily A member 4; minus strand). Cytogenetic location: 1p22.1.
Variant type: single nucleotide variant.
Coding change: c.2822G>A on transcript NM_000350.3 (MANE Select); coding-DNA position 2822, G replaced by A.
Protein change: p.Cys941Tyr; replaces cysteine 941 with tyrosine.
Molecular consequence: missense variant.
Genome position (GRCh38, 1-based): chr1:94,047,015, C>T on the plus strand (G>A on the coding strand, the complement: ABCA4 is on the minus strand). VCF-style: chr1-94047015-C-T. GRCh37 (hg19) VCF-style: chr1-94512571-C-T.
Other names: c.2600G>A, p.Cys867Tyr (NM_001425324.1); c.2822G>A (NM_000350.2); short protein forms C941Y, C867Y.
Identifiers: ClinVar variation 1446525 (VCV001446525.7), dbSNP rs113503406, ClinGen allele CA26840863.

ClinVar aggregate classification (germline): Conflicting classifications of pathogenicity. Review status: criteria provided, conflicting classifications (1 of 4 stars). 3 submissions from 3 submitters: Uncertain significance (2); Likely benign (1). Last evaluated 2025-06-20.

Conditions:
ABCA4-related disorder. Also called: ABCA4-related disorders; ABCA4-related condition. Identifiers: MedGen CN239167.

Allele frequency attached by ClinVar (database versions not stated): gnomAD 0.00007 and 0.00009.
gnomAD v4.1: 41 of 1,614,134 alleles (0.0025%); highest among the groups gnomAD compares: African/African-American, 0.047%; no homozygotes.

Submissions (3):

PreventionGenetics, part of Exact Sciences
Classification: Uncertain significance for ABCA4-related condition. Last evaluated: 2025-06-20. Review status: criteria provided, single submitter. Criteria: ACMG Guidelines, 2015. Collection method: clinical testing. Allele origin: germline.
Comment: The ABCA4 c.2822G>A variant is predicted to result in the amino acid substitution p.Cys941Tyr. To our knowledge, this variant has not been reported in the literature. This variant is reported in 0.028% of alleles in individuals of African descent in gnomAD. At this time, the clinical significance of this variant is uncertain due to the absence of conclusive functional and genetic evidence.

Labcorp Genetics (formerly Invitae), Labcorp
Classification: Uncertain significance. Last evaluated: 2024-07-13. Review status: criteria provided, single submitter. Criteria: Invitae Variant Classification Sherloc (09022015). Collection method: clinical testing. Allele origin: germline.
Comment: This sequence change replaces cysteine, which is neutral and slightly polar, with tyrosine, which is neutral and polar, at codon 941 of the ABCA4 protein (p.Cys941Tyr). This variant is present in population databases (rs113503406, gnomAD 0.03%). This variant has not been reported in the literature in individuals affected with ABCA4-related conditions. ClinVar contains an entry for this variant (Variation ID: 1446525). An algorithm developed to predict the effect of missense changes on protein structure and function outputs the following: PolyPhen-2: "Benign". The tyrosine amino acid residue is found in multiple mammalian species, which suggests that this missense change does not adversely affect protein function. In summary, the available evidence is currently insufficient to determine the role of this variant in disease. Therefore, it has been classified as a Variant of Uncertain Significance.

Blueprint Genetics
Classification: Likely benign. Last evaluated: 2022-07-29. Review status: criteria provided, single submitter. Criteria: ACMG Guidelines, 2015. Collection method: clinical testing. Allele origin: germline.